The following is an entry in ClinVar:

NM_000211.5(ITGB2):c.1083T>C (p.Asn361=)

Gene: ITGB2 (integrin subunit beta 2; minus strand). Cytogenetic location: 21q22.3.
Variant type: single nucleotide variant.
Coding change: c.1083T>C on transcript NM_000211.5 (MANE Select); coding-DNA position 1083, T replaced by C.
Protein change: p.Asn361=; no amino-acid change (asparagine 361 retained).
Molecular consequence: synonymous variant.
Genome position (GRCh38, 1-based): chr21:44,894,971, A>G on the plus strand (T>C on the coding strand, the complement: ITGB2 is on the minus strand). VCF-style: chr21-44894971-A-G. GRCh37 (hg19) VCF-style: chr21-46314886-A-G.
Other names: c.1083T>C, p.Asn361= (NM_001127491.3); c.876T>C, p.Asn292= (NM_001303238.2).
Identifiers: ClinVar variation 1035248 (VCV001035248.6), dbSNP rs536046546, ClinGen allele CA10062950.

ClinVar aggregate classification (germline): Uncertain significance (1 of 4 stars; one submission).

Conditions:
Leukocyte adhesion deficiency 1 (LAD1). Also called: LEUKOCYTE ADHESION DEFICIENCY, TYPE I; LAD 1; Lymphocyte function-associated antigen 1 immunodeficiency; LFA 1 immunodeficiency. Identifiers: Orphanet 2968, Orphanet 99842, MedGen C0398738, MONDO:0007293, OMIM 116920.

Allele frequency attached by ClinVar (database versions not stated): gnomAD exomes below 0.00001; TOPMed below 0.00001; ExAC 0.00001; gnomAD 0.00001; 1000 Genomes Project 30x 0.00016; 1000 Genomes Project 0.00020.
gnomAD v4.1: 4 of 1,599,454 alleles (0.00025%); highest among the groups gnomAD compares: African/African-American, 0.0013%; no homozygotes.

Submission:

Labcorp Genetics (formerly Invitae), Labcorp
Classification: Uncertain significance for Leukocyte adhesion deficiency 1. Last evaluated: 2021-09-30. Review status: criteria provided, single submitter. Criteria: Invitae Variant Classification Sherloc (09022015). Collection method: clinical testing. Allele origin: germline.
Comment: This sequence change affects codon 361 of the ITGB2 mRNA. It is a 'silent' change, meaning that it does not change the encoded amino acid sequence of the ITGB2 protein. This variant is present in population databases (rs536046546, ExAC 0.01%). This variant has not been reported in the literature in individuals with ITGB2-related conditions. Algorithms developed to predict the effect of sequence changes on RNA splicing suggest that this variant is not likely to affect RNA splicing, but this prediction has not been confirmed by published transcriptional studies. In summary, the available evidence is currently insufficient to determine the role of this variant in disease. Therefore, it has been classified as a Variant of Uncertain Significance.